The following is an entry in ClinVar:

NM_000069.3(CACNA1S):c.4484AGA[1] (p.Lys1496del)

Gene: CACNA1S (calcium voltage-gated channel subunit alpha1 S; minus strand). Cytogenetic location: 1q32.1.
Variant type: Microsatellite.
Coding change: c.4484AGA[1] on transcript NM_000069.3 (MANE Select); one copy of the 3-base unit AGA starting at c.4484; the reference has two copies in a row; one copy, 3 bases deleted.
Protein change: p.Lys1496del; deletes lysine 1496.
Molecular consequence: inframe deletion.
Genome position (GRCh38, 1-based): chr1:201,047,579-201,047,581, TCT deleted on the plus strand (AGA on the coding strand, the reverse complement: CACNA1S is on the minus strand); deleting any 3 consecutive bases within chr1:201,047,579-201,047,585 gives the same sequence; the position shown is the placement nearest the transcript's 3' end. VCF-style (leftmost placement, unchanged base first): chr1-201047578-ATCT-A. GRCh37 (hg19) VCF-style: chr1-201016706-ATCT-A.
Other names: short protein forms K1496del.
Identifiers: ClinVar variation 3073312 (VCV003073312.3), dbSNP rs1334281001, ClinGen allele CA528312891.

ClinVar aggregate classification (germline): Uncertain significance. Review status: criteria provided, multiple submitters, no conflicts (2 of 4 stars). 2 submissions from 2 submitters: Uncertain significance (2). Last evaluated 2024-05-28.

Conditions:
Malignant hyperthermia, susceptibility to, 5 (MHS5). Also called: CACNA1S-Related Malignant Hyperthermia Susceptibility. Identifiers: Orphanet 423, MedGen C1866077, MONDO:0011163, OMIM 601887.
Hypokalemic periodic paralysis, type 1. Also called: HypoPP; Hypokalemic Periodic Paralysis Type 1 (AD). Identifiers: Orphanet 681, MedGen C3714580, MONDO:0042979, OMIM 170400.

Submissions (2):

Labcorp Genetics (formerly Invitae), Labcorp
Classification: Uncertain significance for Hypokalemic periodic paralysis, type 1; Malignant hyperthermia, susceptibility to, 5. Last evaluated: 2024-05-28. Review status: criteria provided, single submitter. Criteria: Invitae Variant Classification Sherloc (09022015). Collection method: clinical testing. Allele origin: germline.
Comment: This variant, c.4487_4489del, results in the deletion of 1 amino acid(s) of the CACNA1S protein (p.Lys1496del), but otherwise preserves the integrity of the reading frame. This variant is present in population databases (no rsID available, gnomAD 0.003%). This variant has not been reported in the literature in individuals affected with CACNA1S-related conditions. Experimental studies and prediction algorithms are not available or were not evaluated, and the functional significance of this variant is currently unknown. In summary, the available evidence is currently insufficient to determine the role of this variant in disease. Therefore, it has been classified as a Variant of Uncertain Significance.

All of Us Research Program, National Institutes of Health
Classification: Uncertain significance for Malignant hyperthermia, susceptibility to, 5. Last evaluated: 2023-09-04. Review status: criteria provided, single submitter. Criteria: ACMG Guidelines, 2015. Collection method: clinical testing. Allele origin: germline. Inheritance: Autosomal dominant inheritance. Observed: 1 variant allele, 1 heterozygote.
Comment: This variant results in the in-frame deletion of one amino acid in the CACNA1S protein. To our knowledge, functional studies have not been reported for this variant. This variant has been reported in one individual in an exome sequencing study with no history of autosomal dominant malignant hyperthermia susceptability (PMID: 24195946). This variant has been identified in 1/251428 chromosomes in the general population by the Genome Aggregation Database (gnomAD). The available evidence is insufficient to determine the role of this variant in disease conclusively. Therefore, this variant is classified as a Variant of Uncertain Significance.

This study involves interpretation of variants in research participants for the purpose of population health screening. Participant phenotype was not available at the time of variant classification. Additional details can be found in publication PMID: 35346344, PMCID: PMC8962531

Literature cited by the submitters: PubMed 24195946 (cited by All of Us Research Program, National Institutes of Health).